The following is an entry in ClinVar:

ClinVar aggregate classification (germline): Benign/Likely benign. Review status: criteria provided, multiple submitters, no conflicts (2 of 4 stars). 5 submissions from 5 submitters: Benign (3); Likely benign (1). 1 of the submissions does not count toward it. Last evaluated 2026-08-01.

Conditions:
Glycine encephalopathy. Also called: Non-ketotic hyperglycinemia; Nonketotic hyperglycinemia. Identifiers: Orphanet 407, MedGen C0751748, MONDO:0011612, HP:0008288.

Allele frequency attached by ClinVar (database versions not stated): gnomAD exomes 0.00030 and 0.00082; ExAC 0.00105; gnomAD 0.00309 and 0.00328; 1000 Genomes Project 0.00319; TOPMed 0.00328; ESP Exome Variant Server 0.00331; 1000 Genomes Project 30x 0.00359.
gnomAD v4.1: 922 of 1,612,894 alleles (0.057%); highest among the groups gnomAD compares: African/African-American, 1.1%; 3 homozygotes.

Submissions (5):

CeGaT Center for Human Genetics Tuebingen
Classification: Likely benign. Last evaluated: 2026-08-01. Review status: criteria provided, single submitter. Criteria: CeGaT Center For Human Genetics Tuebingen Variant Classification Criteria Version 2. Collection method: clinical testing. Allele origin: germline. Affected: yes. Observed: 2 variant alleles.
Comment: AMT: BP4, BS1

Mayo Clinic Laboratories, Mayo Clinic
Classification: Benign. Last evaluated: 2024-12-30. Review status: criteria provided, single submitter. Criteria: ACMG Guidelines, 2015. Collection method: clinical testing. Allele origin: germline. Observed: 2 variant alleles.
Comment: BA1, BP4, BP7

Athena Diagnostics
Classification: Benign. Last evaluated: 2019-06-12. Review status: criteria provided, single submitter. Criteria: Athena Diagnostics Criteria. Collection method: clinical testing. Allele origin: germline.

Illumina Laboratory Services, Illumina
Classification: Benign for Glycine encephalopathy 1. Last evaluated: 2017-04-28. Review status: criteria provided, single submitter. Criteria: ICSL Variant Classification Criteria 13 December 2019. Collection method: clinical testing. Allele origin: germline.
Comment: This variant was observed as part of a predisposition screen in an ostensibly healthy population. A literature search was performed for the gene, cDNA change, and amino acid change (where applicable). No publications were found based on this search. Allele frequency data from public databases was too high to be consistent with this variant causing disease. Therefore, this variant is classified as benign.

Natera, Inc.
Classification: Likely benign for Non-ketotic hyperglycinemia. Last evaluated: 2019-10-22. Review status: no assertion criteria provided. Collection method: clinical testing. Allele origin: germline. Not counted in ClinVar's aggregate classification.

NM_000481.4(AMT):c.-1G>A

Genes: AMT (aminomethyltransferase; minus strand), NICN1 (nicolin 1, tubulin polyglutamylase complex subunit; minus strand). Cytogenetic location: 3p21.31.
Variant type: single nucleotide variant.
Coding change: c.-1G>A on transcript NM_000481.4 (MANE Select); 1 bases upstream of the start codon, G replaced by A.
Molecular consequence: 5 prime UTR variant. On other transcripts: non-coding transcript variant (1), 3 prime UTR variant (1).
Genome position (GRCh38, 1-based): chr3:49,422,451, C>T on the plus strand (G>A on the coding strand, the complement: AMT is on the minus strand). VCF-style: chr3-49422451-C-T. GRCh37 (hg19) VCF-style: chr3-49459884-C-T.
Other names: c.-1G>A (NM_001164710.2, NM_001164711.2, NM_001164712.2); c.*2382G>A (NM_032316.3).
Identifiers: ClinVar variation 804522 (VCV000804522.11), dbSNP rs143841175, ClinGen allele CA2398522.